The following is an entry in ClinVar:

NM_000435.3(NOTCH3):c.3659G>A (p.Arg1220Gln)

Gene: NOTCH3 (notch receptor 3; minus strand). Cytogenetic location: 19p13.12.
Variant type: single nucleotide variant.
Coding change: c.3659G>A on transcript NM_000435.3 (MANE Select); coding-DNA position 3659, G replaced by A.
Protein change: p.Arg1220Gln; replaces arginine 1220 with glutamine.
Molecular consequence: missense variant.
Genome position (GRCh38, 1-based): chr19:15,179,084, C>T on the plus strand (G>A on the coding strand, the complement: NOTCH3 is on the minus strand). VCF-style: chr19-15179084-C-T. GRCh37 (hg19) VCF-style: chr19-15289895-C-T.
Other names: short protein forms R1220Q.
Identifiers: ClinVar variation 328394 (VCV000328394.13), dbSNP rs370233852, ClinGen allele CA9263024.

ClinVar aggregate classification (germline): Conflicting classifications of pathogenicity. Review status: criteria provided, conflicting classifications (1 of 4 stars). 5 submissions from 5 submitters: Uncertain significance (1); Likely benign (4). Last evaluated 2026-06-17.

Conditions:
Cerebral arteriopathy, autosomal dominant, with subcortical infarcts and leukoencephalopathy, type 1 (CADASIL1). Also called: CASIL; Cerebral arteriopathy with subcortical infarcts and leukoencephalopathy 1; CADASIL 1; DEMENTIA, HEREDITARY MULTIINFARCT TYPE. Identifiers: Orphanet 136, MedGen C4551768, MONDO:0000914, OMIM 125310.
NOTCH3-related disorder. Also called: NOTCH3-related disorders; NOTCH3-related condition.

Allele frequency attached by ClinVar (database versions not stated): gnomAD 0.00007; TOPMed 0.00007; ESP Exome Variant Server 0.00008.
gnomAD v4.1: 37 of 1,614,058 alleles (0.0023%); highest among the groups gnomAD compares: Admixed American, 0.015%; no homozygotes.

Submissions (5):

PreventionGenetics, part of Exact Sciences
Classification: Likely benign for NOTCH3-related condition. Last evaluated: 2026-06-17. Review status: criteria provided, single submitter. Criteria: ACMG Guidelines, 2015. Collection method: clinical testing. Allele origin: germline.
Comment: This variant is classified as likely benign based on ACMG/AMP sequence variant interpretation guidelines (Richards et al. 2015 PMID: 25741868, with internal and published modifications).

Women's Health and Genetics/Laboratory Corporation of America, LabCorp
Classification: Uncertain significance. Last evaluated: 2025-05-27. Review status: criteria provided, single submitter. Criteria: LabCorp Variant Classification Summary - May 2015. Collection method: clinical testing. Allele origin: germline.
Comment: Variant summary: NOTCH3 c.3659G>A (p.Arg1220Gln) results in a conservative amino acid change located in the Growth factor receptor domain (IPR009030) of the encoded protein sequence. Algorithms developed to predict the effect of missense changes on protein structure and function all suggest that this variant is likely to be tolerated. The variant allele was found at a frequency of 2.4e-05 in 250394 control chromosomes. The available data on variant occurrences in the general population are insufficient to allow any conclusion about variant significance. To our knowledge, no occurrence of c.3659G>A in individuals affected with Cerebral arteriopathy, autosomal dominant, with subcortical infarcts and leukoencephalopathy, type 1 and no experimental evidence demonstrating its impact on protein function have been reported. ClinVar contains an entry for this variant (Variation ID: 328394). Based on the evidence outlined above, the variant was classified as uncertain significance.

Labcorp Genetics (formerly Invitae), Labcorp
Classification: Likely benign. Last evaluated: 2024-12-04. Review status: criteria provided, single submitter. Criteria: Invitae Variant Classification Sherloc (09022015). Collection method: clinical testing. Allele origin: germline.

Blueprint Genetics
Classification: Likely benign. Last evaluated: 2021-09-24. Review status: criteria provided, single submitter. Criteria: ACMG Guidelines, 2015. Collection method: clinical testing. Allele origin: germline.

Illumina Laboratory Services, Illumina
Classification: Likely benign for Cerebral arteriopathy, autosomal dominant, with subcortical infarcts and leukoencephalopathy, type 1. Last evaluated: 2018-01-13. Review status: criteria provided, single submitter. Criteria: ICSL Variant Classification Criteria 13 December 2019. Collection method: clinical testing. Allele origin: germline.
Comment: This variant was observed in the ICSL laboratory as part of a predisposition screen in an ostensibly healthy population. It had not been previously curated by ICSL or reported in the Human Gene Mutation Database (HGMD: prior to June 1st, 2018), and was therefore a candidate for classification through an automated scoring system. Utilizing variant allele frequency, disease prevalence and penetrance estimates, and inheritance mode, an automated score was calculated to assess if this variant is too frequent to cause the disease. Based on the score and internal cut-off values, a variant classified as likely benign is not then subjected to further curation. The score for this variant resulted in a classification of likely benign for this disease.